The following is an entry in ClinVar:

NM_003282.4(TNNI2):c.521G>A (p.Arg174Gln)

Gene: TNNI2 (troponin I2, fast skeletal type; plus strand). Cytogenetic location: 11p15.5.
Variant type: single nucleotide variant.
Coding change: c.521G>A on transcript NM_003282.4 (MANE Select); coding-DNA position 521, G replaced by A.
Protein change: p.Arg174Gln; replaces arginine 174 with glutamine.
Molecular consequence: missense variant.
Genome position (GRCh38, 1-based): chr11:1,841,523, G>A. VCF-style: chr11-1841523-G-A. GRCh37 (hg19) VCF-style: chr11-1862753-G-A.
Other names: c.521G>A, p.Arg174Gln (NM_001145829.2, NM_001145841.2); short protein forms R174Q.
Identifiers: ClinVar variation 12435 (VCV000012435.16), dbSNP rs104894311, ClinGen allele CA122377.
Genomic context (GRCh38, chr11:1,841,523, plus strand): 5'-ACCTGCGAGACGTGGGTGACTGGAGGAAGAACATCGAGGAGAAGTCTGGCATGGAGGGCC[G>A]GAAGAAGATGTTTGAGTCCGAGTCCTAGGCCACTCGCTGCCCCTACGCCTGCCCCGGTGC-3'
Protein context (NP_003273.1, residues 164-182): NIEEKSGMEG[Arg174Gln]KKMFESES

ClinVar aggregate classification (germline): Pathogenic. Review status: criteria provided, multiple submitters, no conflicts (2 of 4 stars). 9 submissions from 9 submitters: Pathogenic (7). 2 of the submissions do not count toward it. Last evaluated 2026-02-01.

Conditions:
TNNI2-related disorder. Also called: TNNI2-related condition.
Distal arthrogryposis type 2B1 (DA2B1). Also called: Arthrogryposis multiplex congenita distal type II with craniofacial abnormalities. Identifiers: Orphanet 1147, MedGen C5193014, MONDO:0020820, OMIM 601680.

Submissions (9):

CeGaT Center for Human Genetics Tuebingen
Classification: Pathogenic. Last evaluated: 2026-02-01. Review status: criteria provided, single submitter. Criteria: CeGaT Center For Human Genetics Tuebingen Variant Classification Criteria Version 2. Collection method: clinical testing. Allele origin: germline. Affected: yes. Observed: 1 variant allele.
Comment: TNNI2: PS2, PM1, PM2, PS4:Moderate, PP1

Blueprint Genetics
Classification: Pathogenic for TNNI2-related disorders. Last evaluated: 2024-09-01. Review status: criteria provided, single submitter. Criteria: ACMG Guidelines, 2015. Collection method: clinical testing. Allele origin: germline. Affected: yes. Observed: 2 variant alleles.

3billion
Classification: Pathogenic for Distal arthrogryposis type 2B1. Last evaluated: 2024-06-28. Review status: criteria provided, single submitter. Criteria: ACMG Guidelines, 2015. Collection method: clinical testing. Allele origin: germline. Affected: yes.
Comment: The variant is not observed in the gnomAD v4.0.0 dataset. Predicted Consequence/Location: Missense variant Functional studies provide moderate evidence of the variant having a damaging effect on the gene or gene product (PMID: 17194691). In silico tool predictions suggest damaging effect of the variant on gene or gene product [REVEL: 0.87 (>=0.6, sensitivity 0.68 and specificity 0.92); 3Cnet: 0.83 (>=0.6, sensitivity 0.72 and precision 0.9)]. The same nucleotide change resulting in the same amino acid change has been previously reported as pathogenic/likely pathogenic with strong evidence (ClinVar ID: VCV000012435 /PMID: 12592607). The variant has been observed in at least two similarly affected unrelated individuals (PMID: 12592607, 23401156). The variant has been previously reported as assumed (i.e. paternity and maternity not confirmed) de novo in at least one similarly affected unrelated individual (PMID: 12592607). The variant has been reported to co-segregate with the disease in at least 3 similarly affected relatives/individuals in the same family or similarly affected unrelated families (PMID: 12592607). A different missense change at the same codon (p.Arg174Trp) has been reported to be associated with TNNI2-related disorder (ClinVar ID: VCV001333897 /PMID: 24343878). Therefore, this variant is classified as Pathogenic according to the recommendation of ACMG/AMP guideline.

GeneDx
Classification: Pathogenic. Last evaluated: 2021-03-30. Review status: criteria provided, single submitter. Criteria: GeneDx Variant Classification Process June 2021. Collection method: clinical testing. Allele origin: germline. Affected: yes.
Comment: Not observed in large population cohorts (Lek et al., 2016); Published functional studies demonstrate a damaging effect as R174Q results in increased calcium sensitivity (Robinson et al., 2007); In silico analysis supports that this missense variant has a deleterious effect on protein structure/function; Missense variants in this gene are often considered pathogenic (Stenson et al., 2014); This variant is associated with the following publications: (PMID: 12592607, 17194691, 23850728, 23401156, 30630514)

Baylor Genetics
Classification: Pathogenic for Distal arthrogryposis type 2B1. Last evaluated: 2020-03-05. Review status: criteria provided, single submitter. Criteria: ACMG Guidelines, 2015. Collection method: clinical testing. Allele origin: de novo. Affected: yes.
Comment: This variant was determined to be pathogenic according to ACMG Guidelines, 2015 [PMID:25741868]. This variant has been previously reported as disease-causing [PMID: 23401156, 12592607, ClinVar ID: 12435]

CENTOGENE GmbH and LLC - Guiding Precision Medicine
Classification: Pathogenic for Distal arthrogryposis type 2B1. Last evaluated: 2019-01-23. Review status: criteria provided, single submitter. Criteria: ACMG Guidelines, 2015. Collection method: clinical testing. Allele origin: germline. Affected: yes.

Genetic Services Laboratory, University of Chicago
Classification: Pathogenic for Arthrogryposis multiplex congenita, distal, type 2B. Last evaluated: 2015-07-01. Review status: criteria provided, single submitter. Criteria: ACMG Guidelines, 2015. Collection method: clinical testing. Allele origin: germline. Affected: yes.

OMIM
Classification: Pathogenic for ARTHROGRYPOSIS, DISTAL, TYPE 2B1. Last evaluated: 2003-03-01. Review status: no assertion criteria provided. Collection method: literature only. Allele origin: germline. Not counted in ClinVar's aggregate classification.

TNNI2 homepage - Leiden Muscular Dystrophy pages
No classification provided. Review status: no classification provided. Collection method: not provided. Allele origin: germline, somatic. Not counted in ClinVar's aggregate classification.
Comment: has functional consequence

Literature cited by the submitters: PubMed 12592607 (cited by 3 submitters); PubMed 17194691 (cited by 3billion); PubMed 23401156 (cited by 3billion and Baylor Genetics); PubMed 24343878 (cited by 3billion).